The following is an entry in ClinVar:

NM_001378454.1(ALMS1):c.3982A>G (p.Ile1328Val)

Gene: ALMS1 (ALMS1 centrosome and basal body associated protein; plus strand). Cytogenetic location: 2p13.1.
Variant type: single nucleotide variant.
Coding change: c.3982A>G on transcript NM_001378454.1 (MANE Select); coding-DNA position 3982, A replaced by G.
Protein change: p.Ile1328Val; replaces isoleucine 1328 with valine.
Molecular consequence: missense variant.
Genome position (GRCh38, 1-based): chr2:73,450,509, A>G. VCF-style: chr2-73450509-A-G. GRCh37 (hg19) VCF-style: chr2-73677636-A-G.
Other names: c.3985A>G, p.Ile1329Val (NM_015120.4); short protein forms I1328V, I1329V.
Identifiers: ClinVar variation 1315118 (VCV001315118.3), dbSNP rs1045211044, ClinGen allele CA50393004.

ClinVar aggregate classification (germline): Uncertain significance. Review status: criteria provided, multiple submitters, no conflicts (2 of 4 stars). 2 submissions from 2 submitters: Uncertain significance (2). Last evaluated 2023-07-10.

Conditions:
Alstrom syndrome (ALMS). Identifiers: Orphanet 64, MedGen C0268425, MONDO:0008763, OMIM 203800.

Allele frequency attached by ClinVar (database versions not stated): gnomAD exomes below 0.00001; gnomAD 0.00001; TOPMed 0.00001.
gnomAD v4.1: 5 of 1,610,860 alleles (0.00031%); highest among the groups gnomAD compares: Middle Eastern, 0.017%; no homozygotes.

Submissions (2):

Labcorp Genetics (formerly Invitae), Labcorp
Classification: Uncertain significance for Alstrom syndrome. Last evaluated: 2023-07-10. Review status: criteria provided, single submitter. Criteria: Invitae Variant Classification Sherloc (09022015). Collection method: clinical testing. Allele origin: germline.
Comment: This variant has not been reported in the literature in individuals affected with ALMS1-related conditions. ClinVar contains an entry for this variant (Variation ID: 1315118). Experimental studies and prediction algorithms are not available or were not evaluated, and the functional significance of this variant is currently unknown. In summary, the available evidence is currently insufficient to determine the role of this variant in disease. Therefore, it has been classified as a Variant of Uncertain Significance. This variant is not present in population databases (gnomAD no frequency). This sequence change replaces isoleucine, which is neutral and non-polar, with valine, which is neutral and non-polar, at codon 1329 of the ALMS1 protein (p.Ile1329Val).

GeneDx
Classification: Uncertain significance. Last evaluated: 2020-01-31. Review status: criteria provided, single submitter. Criteria: GeneDx Variant Classification Process June 2021. Collection method: clinical testing. Allele origin: germline. Affected: yes.
Comment: Not observed in large population cohorts (Lek et al., 2016); In silico analysis supports that this missense variant does not alter protein structure/function; Has not been previously published as pathogenic or benign to our knowledge